The following is an entry in ClinVar:

ClinVar aggregate classification (germline): Uncertain significance. Review status: criteria provided, multiple submitters, no conflicts (2 of 4 stars). 2 submissions from 2 submitters: Uncertain significance (2). Last evaluated 2023-06-29.

Conditions:
Amyotrophic lateral sclerosis type 12 (ALS12). Also called: AMYOTROPHIC LATERAL SCLEROSIS 12 WITH OR WITHOUT FRONTOTEMPORAL DEMENTIA. Identifiers: Orphanet 803, MedGen C3150692, MONDO:0013264, OMIM 613435.
Primary open angle glaucoma (POAG). Also called: OPTN-related open angle glaucoma. Identifiers: MedGen C0339573, MONDO:0100553, OMIM 137760.
Glaucoma 1, open angle, E. Identifiers: MedGen C1842026, MONDO:0007665.
Inborn genetic diseases. Identifiers: MedGen C0950123, MeSH D030342.

Allele frequency attached by ClinVar (database versions not stated): gnomAD exomes below 0.00001; TOPMed below 0.00001; gnomAD 0.00001.

Submissions (2):

Ambry Genetics
Classification: Uncertain significance for Inborn genetic diseases. Last evaluated: 2023-06-29. Review status: criteria provided, single submitter. Criteria: Ambry Variant Classification Scheme 2023. Collection method: clinical testing. Allele origin: germline.

Labcorp Genetics (formerly Invitae), Labcorp
Classification: Uncertain significance for Primary open angle glaucoma; Glaucoma 1, open angle, E; Amyotrophic lateral sclerosis type 12. Last evaluated: 2020-03-31. Review status: criteria provided, single submitter. Criteria: Invitae Variant Classification Sherloc (09022015). Collection method: clinical testing. Allele origin: germline.
Comment: This sequence change replaces leucine with phenylalanine at codon 304 of the OPTN protein (p.Leu304Phe). The leucine residue is weakly conserved and there is a small physicochemical difference between leucine and phenylalanine. This variant is not present in population databases (ExAC no frequency). This variant has been observed in individual(s) with amyotrophic lateral sclerosis (PMID: 29525178). Algorithms developed to predict the effect of missense changes on protein structure and function are either unavailable or do not agree on the potential impact of this missense change (SIFT: "Tolerated"; PolyPhen-2: "Possibly Damaging"; Align-GVGD: "Class C0"). In summary, the available evidence is currently insufficient to determine the role of this variant in disease. Therefore, it has been classified as a Variant of Uncertain Significance.

Literature cited by the submitters: PubMed 29525178 (cited by Ambry Genetics and Labcorp Genetics (formerly Invitae), Labcorp); PubMed 32028661 (cited by Ambry Genetics).

NM_001008212.2(OPTN):c.910C>T (p.Leu304Phe)

Gene: OPTN (optineurin; plus strand). Cytogenetic location: 10p13.
Variant type: single nucleotide variant.
Coding change: c.910C>T on transcript NM_001008212.2 (MANE Select); coding-DNA position 910, C replaced by T.
Protein change: p.Leu304Phe; replaces leucine 304 with phenylalanine.
Molecular consequence: missense variant.
Genome position (GRCh38, 1-based): chr10:13,124,022, C>T. VCF-style: chr10-13124022-C-T. GRCh37 (hg19) VCF-style: chr10-13166022-C-T.
Other names: c.910C>T, p.Leu304Phe (NM_001008211.1, NM_001008213.1, NM_021980.4); short protein forms L304F.
Identifiers: ClinVar variation 1062580 (VCV001062580.11), dbSNP rs1833407652, ClinGen allele CA376028979.